The following is an entry in ClinVar:

NM_000417.3(IL2RA):c.*1994G>T

Gene: IL2RA (interleukin 2 receptor subunit alpha; minus strand). Cytogenetic location: 10p15.1.
Variant type: single nucleotide variant.
Coding change: c.*1994G>T on transcript NM_000417.3 (MANE Select); 1994 bases downstream of the stop codon, G replaced by T.
Molecular consequence: 3 prime UTR variant.
Genome position (GRCh38, 1-based): chr10:6,010,878, C>A on the plus strand (G>T on the coding strand, the complement: IL2RA is on the minus strand). VCF-style: chr10-6010878-C-A. GRCh37 (hg19) VCF-style: chr10-6052841-C-A.
Other names: c.*1994G>T (NM_001308242.2, NM_001308243.2).
Identifiers: ClinVar variation 300213 (VCV000300213.6), dbSNP rs12722608, ClinGen allele CA10635534.

ClinVar aggregate classification (germline): Benign. Review status: criteria provided, multiple submitters, no conflicts (2 of 4 stars). 2 submissions from 2 submitters: Benign (2). Last evaluated 2018-01-13.

Conditions:
Immunodeficiency due to CD25 deficiency. Also called: IMMUNODEFICIENCY 41 WITH LYMPHOPROLIFERATION AND AUTOIMMUNITY; CD25 DEFICIENCY; IL2RA DEFICIENCY. Identifiers: Orphanet 169100, MedGen C1853392, MONDO:0011664, OMIM 606367.

Allele frequency attached by ClinVar (database versions not stated): gnomAD exomes 0.02344; gnomAD 0.05371 and 0.05407; 1000 Genomes Project 0.05990; 1000 Genomes Project 30x 0.06309; TOPMed 0.06462.

Submissions (2):

Illumina Laboratory Services, Illumina
Classification: Benign for Immunodeficiency due to CD25 deficiency. Last evaluated: 2018-01-13. Review status: criteria provided, single submitter. Criteria: ICSL Variant Classification Criteria 13 December 2019. Collection method: clinical testing. Allele origin: germline.
Comment: This variant was observed in the ICSL laboratory as part of a predisposition screen in an ostensibly healthy population. It had not been previously curated by ICSL or reported in the Human Gene Mutation Database (HGMD: prior to June 1st, 2018), and was therefore a candidate for classification through an automated scoring system. Utilizing variant allele frequency, disease prevalence and penetrance estimates, and inheritance mode, an automated score was calculated to assess if this variant is too frequent to cause the disease. Based on the score and internal cut-off values, a variant classified as benign is not then subjected to further curation. The score for this variant resulted in a classification of benign for this disease.

Breakthrough Genomics
Classification: Benign. Review status: criteria provided, single submitter. Criteria: ACMG Guidelines, 2015. Collection method: not provided. Allele origin: germline. Inheritance: Autosomal recessive inheritance. Affected: yes.